The following is an entry in ClinVar:

ClinVar aggregate classification (germline): Pathogenic (1 of 4 stars; one submission).

Conditions:
Juvenile polyposis syndrome (JPS). Identifiers: Orphanet 2929, MedGen C0345893, MONDO:0017380, OMIM 174900.

Submission:

Labcorp Genetics (formerly Invitae), Labcorp
Classification: Pathogenic for Juvenile polyposis syndrome. Last evaluated: 2023-05-22. Review status: criteria provided, single submitter. Criteria: Invitae Variant Classification Sherloc (09022015). Collection method: clinical testing. Allele origin: germline.
Comment: This sequence change creates a premature translational stop signal (p.Val385Leufs*14) in the BMPR1A gene. It is expected to result in an absent or disrupted protein product. Loss-of-function variants in BMPR1A are known to be pathogenic (PMID: 11536076, 12417513). This variant is not present in population databases (gnomAD no frequency). This variant has not been reported in the literature in individuals affected with BMPR1A-related conditions. ClinVar contains an entry for this variant (Variation ID: 854188). For these reasons, this variant has been classified as Pathogenic.

Literature cited by the submitters: PubMed 11536076; PubMed 12417513.

NM_004329.3(BMPR1A):c.1152del (p.Val385fs)

Gene: BMPR1A (bone morphogenetic protein receptor type 1A; plus strand). Cytogenetic location: 10q23.2.
Variant type: Deletion.
Coding change: c.1152del on transcript NM_004329.3 (MANE Select); coding-DNA position 1152, one base deleted (T; older notation c.1152delT).
Protein change: p.Val385fs; shifts the reading frame from valine 385.
Molecular consequence: frameshift variant.
Genome position (GRCh38, 1-based): chr10:86,919,455, T deleted. VCF-style (leftmost placement, unchanged base first): chr10-86919454-CT-C. GRCh37 (hg19) VCF-style: chr10-88679211-CT-C.
Other names: short protein forms V385fs.
Identifiers: ClinVar variation 854188 (VCV000854188.8), dbSNP rs1843628914, ClinGen allele CA916081595.